The following is an entry in ClinVar:

ClinVar aggregate classification (germline): Likely benign (1 of 4 stars; one submission).

Submission:

Institute of Medical Genetics, University of Zurich
Classification: Likely benign. Last evaluated: 2026-05-15. Review status: criteria provided, single submitter. Criteria: ACMG Guidelines, 2015. Collection method: clinical testing. Allele origin: maternal. Inheritance: X-linked inheritance. Observed: 2 variant alleles.
Comment: The splice-site variant c.963-2A>G (p.(?)) is located in intron 8 of the CCDC120 gene (NM_001163321.3). Multiple in silico prediction tools predict disruption of the canonical splice acceptor site at exon 9, likely resulting in aberrant splicing and a loss of normal gene function. CCDC120 has not been established as a disease-associated gene; however, it has been proposed as a candidate gene for developmental delay and autism (PMID: 35982159). The variant is absent from population databases (gnomAD v4.1.1) and, to our knowledge, has not been reported previously in literature. Taken together, in the absence of further evidence for pathogenicity, this variant is classified as likely benign (ACMG criteria: BS2, BS4_supporting).

Literature cited by the submitters: PubMed 35982159.

NM_001163321.4(CCDC120):c.963-2A>G

Gene: CCDC120 (coiled-coil domain containing 120; plus strand). Cytogenetic location: Xp11.23.
Variant type: single nucleotide variant.
Coding change: c.963-2A>G on transcript NM_001163321.4 (MANE Select); the canonical splice acceptor site of the intron before coding-DNA position 963, A replaced by G.
Molecular consequence: splice acceptor variant.
Genome position (GRCh38, 1-based): chrX:49,065,745, A>G. VCF-style: chrX-49065745-A-G. GRCh37 (hg19) VCF-style: chrX-48923276-A-G.
Other names: c.858-2A>G (NM_001271836.2, NM_001271835.1, NM_033626.3); c.822-2A>G (NM_001163322.2, NM_001163323.3).
Identifiers: ClinVar variation 4884427 (VCV004884427.1).